The following is an entry in ClinVar:

ClinVar aggregate classification (germline): Conflicting classifications of pathogenicity. Review status: criteria provided, conflicting classifications (1 of 4 stars). 2 submissions from 2 submitters: Uncertain significance (1); Likely benign (1). Last evaluated 2025-12-22.

Conditions:
Hereditary cancer-predisposing syndrome. Also called: Hereditary neoplastic syndrome; Neoplastic Syndromes, Hereditary; Tumor predisposition; Hereditary Cancer Syndrome. Identifiers: Orphanet 140162, MedGen C0027672, MeSH D009386, MONDO:0015356.
DICER1-related tumor predisposition. Also called: DICER1-related pleuropulmonary blastoma cancer predisposition syndrome; DICER1 syndrome. Identifiers: Orphanet 284343, MedGen C3839822, MONDO:0100216.

Allele frequency attached by ClinVar (database versions not stated): ExAC 0.00001; gnomAD 0.00001; gnomAD exomes 0.00001 and 0.00002.
gnomAD v4.1: 32 of 1,614,010 alleles (0.002%); highest among the groups gnomAD compares: Middle Eastern, 0.049%; no homozygotes.

Submissions (2):

Labcorp Genetics (formerly Invitae), Labcorp
Classification: Likely benign for DICER1-related tumor predisposition. Last evaluated: 2025-12-22. Review status: criteria provided, single submitter. Criteria: Invitae Variant Classification Sherloc (09022015). Collection method: clinical testing. Allele origin: germline.

Ambry Genetics
Classification: Uncertain significance for Hereditary cancer-predisposing syndrome. Last evaluated: 2024-12-30. Review status: criteria provided, single submitter. Criteria: Ambry Variant Classification Scheme 2023. Collection method: clinical testing. Allele origin: germline.
Comment: The p.N1118S variant (also known as c.3353A>G), located in coding exon 20 of the DICER1 gene, results from an A to G substitution at nucleotide position 3353. The asparagine at codon 1118 is replaced by serine, an amino acid with highly similar properties. This amino acid position is not well conserved in available vertebrate species. In addition, this alteration is predicted to be tolerated by in silico analysis. Since supporting evidence is limited at this time, the clinical significance of this alteration remains unclear.

NM_177438.3(DICER1):c.3353A>G (p.Asn1118Ser)

Gene: DICER1 (dicer 1, ribonuclease III; minus strand). Cytogenetic location: 14q32.13.
Variant type: single nucleotide variant.
Coding change: c.3353A>G on transcript NM_177438.3 (MANE Select); coding-DNA position 3353, A replaced by G.
Protein change: p.Asn1118Ser; replaces asparagine 1118 with serine.
Molecular consequence: missense variant.
Genome position (GRCh38, 1-based): chr14:95,104,043, T>C on the plus strand (A>G on the coding strand, the complement: DICER1 is on the minus strand). VCF-style: chr14-95104043-T-C. GRCh37 (hg19) VCF-style: chr14-95570380-T-C.
Other names: c.3353A>G, p.Asn1118Ser (NM_001195573.1, NM_001271282.3, NM_001291628.2 and 1 more transcripts); short protein forms N1118S.
Identifiers: ClinVar variation 412127 (VCV000412127.14), dbSNP rs773410751, ClinGen allele CA7331051.